The following is an entry in ClinVar:

NM_025179.4(PLXNA2):c.3138C>T (p.Ile1046=)

Gene: PLXNA2 (plexin A2; minus strand). Cytogenetic location: 1q32.2.
Variant type: single nucleotide variant.
Coding change: c.3138C>T on transcript NM_025179.4 (MANE Select); coding-DNA position 3138, C replaced by T.
Protein change: p.Ile1046=; no amino-acid change (isoleucine 1046 retained).
Molecular consequence: synonymous variant.
Genome position (GRCh38, 1-based): chr1:208,051,279, G>A on the plus strand (C>T on the coding strand, the complement: PLXNA2 is on the minus strand). VCF-style: chr1-208051279-G-A. GRCh37 (hg19) VCF-style: chr1-208224624-G-A.
Identifiers: ClinVar variation 3046474 (VCV003046474.2), dbSNP rs765503632, ClinGen allele CA1373276.

ClinVar aggregate classification (germline): Likely benign (0 of 4 stars; one submission).

Conditions:
PLXNA2-related disorder. Also called: PLXNA2-related condition.

Allele frequency attached by ClinVar (database versions not stated): ExAC 0.00002; TOPMed 0.00003; gnomAD 0.00004.
gnomAD v4.1: 83 of 1,611,132 alleles (0.0052%); highest among the groups gnomAD compares: Middle Eastern, 0.017%; no homozygotes.

Submission:

PreventionGenetics, part of Exact Sciences
Classification: Likely benign for PLXNA2-related condition. Last evaluated: 2021-06-23. Review status: no assertion criteria provided. Collection method: clinical testing. Allele origin: germline.
Comment: This variant is classified as likely benign based on ACMG/AMP sequence variant interpretation guidelines (Richards et al. 2015 PMID: 25741868, with internal and published modifications).